The following is an entry in ClinVar:

NM_001379403.1(WDR26):c.1635T>C (p.His545=)

Gene: WDR26 (WD repeat domain 26; minus strand). Cytogenetic location: 1q42.12.
Variant type: single nucleotide variant.
Coding change: c.1635T>C on transcript NM_001379403.1 (MANE Select); coding-DNA position 1635, T replaced by C.
Protein change: p.His545=; no amino-acid change (histidine 545 retained).
Molecular consequence: synonymous variant.
Genome position (GRCh38, 1-based): chr1:224,401,034, A>G on the plus strand (T>C on the coding strand, the complement: WDR26 is on the minus strand). VCF-style: chr1-224401034-A-G. GRCh37 (hg19) VCF-style: chr1-224588736-A-G.
Other names: c.1287T>C, p.His429= (NM_001115113.3); c.1335T>C, p.His445= (NM_025160.7).
Identifiers: ClinVar variation 714797 (VCV000714797.30), dbSNP rs140546120, ClinGen allele CA1414968.

ClinVar aggregate classification (germline): Benign/Likely benign. Review status: criteria provided, multiple submitters, no conflicts (2 of 4 stars). 4 submissions from 4 submitters: Benign (1); Likely benign (3). Last evaluated 2026-04-01.

Conditions:
Skraban-Deardorff syndrome. Also called: INTELLECTUAL DISABILITY WITH SEIZURES, ABNORMAL GAIT, AND DISTINCTIVE FACIAL FEATURES; WDR26-Related Intellectual Disability. Identifiers: Orphanet 513456, MedGen C4539927, MONDO:0054636, OMIM 617616.

Allele frequency attached by ClinVar (database versions not stated): 1000 Genomes Project 30x 0.00094; 1000 Genomes Project 0.00100; gnomAD exomes 0.00195 and 0.00370; ExAC 0.00198; TOPMed 0.00210; gnomAD 0.00221 and 0.00235; ESP Exome Variant Server 0.00246.
gnomAD v4.1: 5,644 of 1,614,080 alleles (0.35%); highest among the groups gnomAD compares: Non-Finnish European, 0.45%; 7 homozygotes.

Submissions (4):

CeGaT Center for Human Genetics Tuebingen
Classification: Likely benign. Last evaluated: 2026-04-01. Review status: criteria provided, single submitter. Criteria: CeGaT Center For Human Genetics Tuebingen Variant Classification Criteria Version 2. Collection method: clinical testing. Allele origin: germline. Affected: yes. Observed: 18 variant alleles.
Comment: WDR26: BP4, BP7, BS1

Blueprint Genetics
Classification: Likely benign. Last evaluated: 2024-11-05. Review status: criteria provided, single submitter. Criteria: ACMG Guidelines, 2015. Collection method: clinical testing. Allele origin: germline.

Fulgent Genetics
Classification: Likely benign for Skraban-Deardorff syndrome. Last evaluated: 2021-10-05. Review status: criteria provided, single submitter. Criteria: ACMG Guidelines, 2015. Collection method: clinical testing. Allele origin: unknown.

Labcorp Genetics (formerly Invitae), Labcorp
Classification: Benign. Last evaluated: 2019-12-31. Review status: criteria provided, single submitter. Criteria: Invitae Variant Classification Sherloc (09022015). Collection method: clinical testing. Allele origin: germline.